The following is an entry in ClinVar:

ClinVar aggregate classification (germline): Conflicting classifications of pathogenicity. Review status: criteria provided, conflicting classifications (1 of 4 stars). 8 submissions from 8 submitters: Uncertain significance (1); Likely benign (6). 1 of the submissions does not count toward it. Last evaluated 2025-11-16.

Conditions:
Familial cancer of breast. Also called: hereditary breast carcinoma; Hereditary breast cancer; BREAST CANCER, FAMILIAL. Identifiers: Orphanet 227535, MedGen C0346153, MONDO:0016419, OMIM 114480. Disease mechanism: loss of function.
Ataxia-telangiectasia syndrome (AT). Also called: Cerebello-oculocutaneous telangiectasia; Immunodeficiency with ataxia telangiectasia; Ataxia-telangiectasia, complementation group E; Ataxia telangiectasia (A-T); LOUIS-BAR SYNDROME; Ataxia-telangiectasia, complementation group D. Identifiers: Orphanet 100, MedGen C0004135, MONDO:0008840, OMIM 208900.
Hereditary cancer-predisposing syndrome. Also called: Neoplastic Syndromes, Hereditary; Hereditary neoplastic syndrome; Hereditary Cancer Syndrome; Tumor predisposition. Identifiers: Orphanet 140162, MedGen C0027672, MeSH D009386, MONDO:0015356.

Allele frequency attached by ClinVar (database versions not stated): gnomAD 0.00001; gnomAD exomes 0.00001 and 0.00002.
gnomAD v4.1: 33 of 1,606,886 alleles (0.0021%); highest among the groups gnomAD compares: East Asian, 0.0089%; no homozygotes.

Submissions (8):

Labcorp Genetics (formerly Invitae), Labcorp
Classification: Likely benign for Ataxia-telangiectasia syndrome. Last evaluated: 2025-11-16. Review status: criteria provided, single submitter. Criteria: Invitae Variant Classification Sherloc (09022015). Collection method: clinical testing. Allele origin: germline.

Women's Health and Genetics/Laboratory Corporation of America, LabCorp
Classification: Likely benign. Last evaluated: 2025-02-21. Review status: criteria provided, single submitter. Criteria: LabCorp Variant Classification Summary - May 2015. Collection method: clinical testing. Allele origin: germline.

Myriad Genetics, Inc.
Classification: Likely benign for Familial cancer of breast. Last evaluated: 2024-05-17. Review status: criteria provided, single submitter. Criteria: Myriad Autosomal Dominant, Autosomal Recessive and X-Linked Classification Criteria (2023). Collection method: clinical testing. Allele origin: unknown.
Comment: This variant is considered likely benign. This variant is intronic and is not expected to impact mRNA splicing.

Blueprint Genetics
Classification: Likely benign. Last evaluated: 2022-08-12. Review status: criteria provided, single submitter. Criteria: ACMG Guidelines, 2015. Collection method: clinical testing. Allele origin: germline.

Illumina Laboratory Services, Illumina
Classification: Uncertain significance for Ataxia-telangiectasia syndrome. Last evaluated: 2018-01-13. Review status: criteria provided, single submitter. Criteria: ICSL Variant Classification Criteria 13 December 2019. Collection method: clinical testing. Allele origin: germline.

Color Diagnostics, LLC DBA Color Health
Classification: Likely benign for Hereditary cancer-predisposing syndrome. Last evaluated: 2017-09-05. Review status: criteria provided, single submitter. Criteria: ACMG Guidelines, 2015. Collection method: clinical testing. Allele origin: germline.

GeneDx
Classification: Likely benign. Last evaluated: 2015-12-03. Review status: criteria provided, single submitter. Criteria: GeneDx Variant Classification (06012015). Collection method: clinical testing. Allele origin: germline. Affected: yes.
Comment: This variant is considered likely benign or benign based on one or more of the following criteria: it is a conservative change, it occurs at a poorly conserved position in the protein, it is predicted to be benign by multiple in silico algorithms, and/or has population frequency not consistent with disease.

Counsyl
Classification: Likely benign for Ataxia-telangiectasia syndrome. Last evaluated: 2018-02-09. Review status: no assertion criteria provided. Collection method: clinical testing. Allele origin: unknown. Not counted in ClinVar's aggregate classification.

NM_000051.4(ATM):c.4436+10A>G

Gene: ATM (ATM serine/threonine kinase; plus strand). Cytogenetic location: 11q22.3.
Variant type: single nucleotide variant.
Coding change: c.4436+10A>G on transcript NM_000051.4 (MANE Select); 10 bases into the intron after coding-DNA position 4436, A replaced by G.
Molecular consequence: intron variant.
Genome position (GRCh38, 1-based): chr11:108,289,811, A>G. VCF-style: chr11-108289811-A-G. GRCh37 (hg19) VCF-style: chr11-108160538-A-G.
Other names: c.4436+10A>G (NM_001351834.2).
Identifiers: ClinVar variation 236717 (VCV000236717.22), dbSNP rs878853509, ClinGen allele CA10582817.